The following is an entry in ClinVar:

ClinVar aggregate classification (germline): Uncertain significance (1 of 4 stars; one submission).

Conditions:
Duchenne muscular dystrophy (DMD). Also called: MUSCULAR DYSTROPHY, PSEUDOHYPERTROPHIC PROGRESSIVE, DUCHENNE TYPE; Duchenne Muscular Dystrophy (DMD). Identifiers: Orphanet 98896, MedGen C0013264, MONDO:0010679, OMIM 310200.

Submission:

Labcorp Genetics (formerly Invitae), Labcorp
Classification: Uncertain significance for Duchenne muscular dystrophy. Last evaluated: 2023-12-06. Review status: criteria provided, single submitter. Criteria: Invitae Variant Classification Sherloc (09022015). Collection method: clinical testing. Allele origin: unknown.
Comment: This variant results in a copy number gain of the genomic region encompassing exon(s) 63-79 of the DMD gene. This region includes the termination codon of the gene. This copy number gain extends beyond the assayed region for this gene and therefore may encompass additional genes. As the precise location of this event is unknown, it may be in tandem or it may be located elsewhere in the genome. This variant has not been reported in the literature in individuals affected with DMD-related conditions. Experimental studies and prediction algorithms are not available or were not evaluated, and the functional significance of this variant is currently unknown. In summary, the available evidence is currently insufficient to determine the role of this variant in disease. Therefore, it has been classified as a Variant of Uncertain Significance.

NC_000023.10:g.(?_31140036)_(31279153_?)dup

Gene: DMD (dystrophin; minus strand). Cytogenetic location: Xp21.2.
Variant type: Duplication.
Identifiers: ClinVar variation 3243339 (VCV003243339.1).